The following is an entry in ClinVar:

ClinVar aggregate classification (germline): Likely benign. Review status: criteria provided, multiple submitters, no conflicts (2 of 4 stars). 3 submissions from 3 submitters: Likely benign (3). Last evaluated 2024-11-11.

Allele frequency attached by ClinVar (database versions not stated): gnomAD 0.00001; gnomAD exomes 0.00001; TOPMed 0.00002.
gnomAD v4.1: 11 of 1,613,574 alleles (0.00068%); highest among the groups gnomAD compares: Non-Finnish European, 0.00093%; no homozygotes.

Submissions (3):

Labcorp Genetics (formerly Invitae), Labcorp
Classification: Likely benign. Last evaluated: 2024-11-11. Review status: criteria provided, single submitter. Criteria: Invitae Variant Classification Sherloc (09022015). Collection method: clinical testing. Allele origin: germline.

CeGaT Center for Human Genetics Tuebingen
Classification: Likely benign. Last evaluated: 2022-11-01. Review status: criteria provided, single submitter. Criteria: CeGaT Center For Human Genetics Tuebingen Variant Classification Criteria Version 2. Collection method: clinical testing. Allele origin: germline. Affected: yes. Observed: 1 variant allele.
Comment: RTN4IP1: BP4, BP7

Blueprint Genetics
Classification: Likely benign. Last evaluated: 2019-01-14. Review status: criteria provided, single submitter. Criteria: ACMG Guidelines, 2015. Collection method: clinical testing. Allele origin: germline.

NM_032730.5(RTN4IP1):c.1041C>T (p.Gly347=)

Gene: RTN4IP1 (reticulon 4 interacting protein 1; minus strand). Cytogenetic location: 6q21.
Variant type: single nucleotide variant.
Coding change: c.1041C>T on transcript NM_032730.5 (MANE Select); coding-DNA position 1041, C replaced by T.
Protein change: p.Gly347=; no amino-acid change (glycine 347 retained).
Molecular consequence: synonymous variant.
Genome position (GRCh38, 1-based): chr6:106,583,370, G>A on the plus strand (C>T on the coding strand, the complement: RTN4IP1 is on the minus strand). VCF-style: chr6-106583370-G-A. GRCh37 (hg19) VCF-style: chr6-107031245-G-A.
Other names: c.741C>T, p.Gly247= (NM_001318746.1).
Identifiers: ClinVar variation 1110825 (VCV001110825.32), dbSNP rs1049505744, ClinGen allele CA144969015.